The following is an entry in ClinVar:

NM_002529.4(NTRK1):c.1393T>C (p.Ser465Pro)

Gene: NTRK1 (neurotrophic receptor tyrosine kinase 1; plus strand). Cytogenetic location: 1q23.1.
Variant type: single nucleotide variant.
Coding change: c.1393T>C on transcript NM_002529.4 (MANE Select); coding-DNA position 1393, T replaced by C.
Protein change: p.Ser465Pro; replaces serine 465 with proline.
Molecular consequence: missense variant.
Genome position (GRCh38, 1-based): chr1:156,875,558, T>C. VCF-style: chr1-156875558-T-C. GRCh37 (hg19) VCF-style: chr1-156845350-T-C.
Other names: c.1285T>C, p.Ser429Pro (NM_001007792.1); c.1375T>C, p.Ser459Pro (NM_001012331.2); short protein forms S429P, S459P, S465P.
Identifiers: ClinVar variation 1435391 (VCV001435391.9), dbSNP rs1291271254, ClinGen allele CA342937311.

ClinVar aggregate classification (germline): Uncertain significance (1 of 4 stars; one submission).

Conditions:
Hereditary insensitivity to pain with anhidrosis (CIPA). Also called: NTRK1 Congenital Insensitivity to Pain with Anhidrosis; FAMILIAL DYSAUTONOMIA, TYPE II; INSENSITIVITY TO PAIN, CONGENITAL, WITH ANHIDROSIS; NEUROPATHY, CONGENITAL SENSORY, WITH ANHIDROSIS; hereditary sensory and autonomic neuropathy type 4; HSAN Type IV. Identifiers: Orphanet 642, MedGen C0020074, MONDO:0009746, OMIM 256800.

Submission:

Labcorp Genetics (formerly Invitae), Labcorp
Classification: Uncertain significance for Hereditary insensitivity to pain with anhidrosis. Last evaluated: 2022-07-18. Review status: criteria provided, single submitter. Criteria: Invitae Variant Classification Sherloc (09022015). Collection method: clinical testing. Allele origin: germline.
Comment: Advanced modeling of protein sequence and biophysical properties (such as structural, functional, and spatial information, amino acid conservation, physicochemical variation, residue mobility, and thermodynamic stability) performed at Invitae indicates that this missense variant is not expected to disrupt NTRK1 protein function. In summary, the available evidence is currently insufficient to determine the role of this variant in disease. Therefore, it has been classified as a Variant of Uncertain Significance. ClinVar contains an entry for this variant (Variation ID: 1435391). This variant has not been reported in the literature in individuals affected with NTRK1-related conditions. This variant is not present in population databases (gnomAD no frequency). This sequence change replaces serine, which is neutral and polar, with proline, which is neutral and non-polar, at codon 459 of the NTRK1 protein (p.Ser459Pro).